The following is an entry in ClinVar:

ClinVar aggregate classification (germline): Uncertain significance (1 of 4 stars; one submission).

Conditions:
Frontotemporal dementia and/or amyotrophic lateral sclerosis 4. Also called: FTDALS4. Identifiers: Orphanet 275872, MedGen C4225325, MONDO:0014641, OMIM 616439.

Allele frequency attached by ClinVar (database versions not stated): gnomAD 0.00001; gnomAD exomes 0.00001.
gnomAD v4.1: 17 of 1,613,668 alleles (0.0011%); highest among the groups gnomAD compares: East Asian, 0.0022%; no homozygotes.

Submission:

Labcorp Genetics (formerly Invitae), Labcorp
Classification: Uncertain significance for Frontotemporal dementia and/or amyotrophic lateral sclerosis 4. Last evaluated: 2023-06-09. Review status: criteria provided, single submitter. Criteria: Invitae Variant Classification Sherloc (09022015). Collection method: clinical testing. Allele origin: germline.
Comment: In summary, the available evidence is currently insufficient to determine the role of this variant in disease. Therefore, it has been classified as a Variant of Uncertain Significance. Advanced modeling of protein sequence and biophysical properties (such as structural, functional, and spatial information, amino acid conservation, physicochemical variation, residue mobility, and thermodynamic stability) performed at Invitae indicates that this missense variant is not expected to disrupt TBK1 protein function. This variant has not been reported in the literature in individuals affected with TBK1-related conditions. This variant is present in population databases (rs768800259, gnomAD 0.0009%). This sequence change replaces arginine, which is basic and polar, with histidine, which is basic and polar, at codon 724 of the TBK1 protein (p.Arg724His).

NM_013254.4(TBK1):c.2171G>A (p.Arg724His)

Gene: TBK1 (TANK binding kinase 1; plus strand). Cytogenetic location: 12q14.2.
Variant type: single nucleotide variant.
Coding change: c.2171G>A on transcript NM_013254.4 (MANE Select); coding-DNA position 2171, G replaced by A.
Protein change: p.Arg724His; replaces arginine 724 with histidine.
Molecular consequence: missense variant.
Genome position (GRCh38, 1-based): chr12:64,501,362, G>A. VCF-style: chr12-64501362-G-A. GRCh37 (hg19) VCF-style: chr12-64895142-G-A.
Other names: short protein forms R724H.
Identifiers: ClinVar variation 2693803 (VCV002693803.3), dbSNP rs768800259, ClinGen allele CA6669287.